The following is an entry in ClinVar:

ClinVar aggregate classification (germline): Uncertain significance (1 of 4 stars; one submission).

gnomAD v4.1: 4 of 1,496,220 alleles (0.00027%); highest among the groups gnomAD compares: Non-Finnish European, 0.00027%; no homozygotes.

Submission:

GeneDx
Classification: Uncertain significance. Last evaluated: 2025-01-24. Review status: criteria provided, single submitter. Criteria: GeneDx Variant Classification Process June 2021. Collection method: clinical testing. Allele origin: germline. Affected: yes.
Comment: Not observed at significant frequency in large population cohorts (gnomAD); In silico analysis indicates that this missense variant does not alter protein structure/function; Has not been previously published as pathogenic or benign to our knowledge

NM_000144.5(FXN):c.89C>T (p.Pro30Leu)

Genes: FXN (frataxin; plus strand), LOC130001862 (ATAC-STARR-seq lymphoblastoid silent region 19931; plus strand). Cytogenetic location: 9q21.11.
Variant type: single nucleotide variant.
Coding change: c.89C>T on transcript NM_000144.5 (MANE Select); coding-DNA position 89, C replaced by T.
Protein change: p.Pro30Leu; replaces proline 30 with leucine.
Molecular consequence: missense variant.
Genome position (GRCh38, 1-based): chr9:69,035,871, C>T. VCF-style: chr9-69035871-C-T. GRCh37 (hg19) VCF-style: chr9-71650787-C-T.
Other names: c.89C>T, p.Pro30Leu (NM_181425.3); short protein forms P30L.
Identifiers: ClinVar variation 4071722 (VCV004071722.1).